The following is an entry in ClinVar:

NM_001277115.2(DNAH11):c.2662G>C (p.Val888Leu)

Gene: DNAH11 (dynein axonemal heavy chain 11; plus strand). Cytogenetic location: 7p15.3.
Variant type: single nucleotide variant.
Coding change: c.2662G>C on transcript NM_001277115.2 (MANE Select); coding-DNA position 2662, G replaced by C.
Protein change: p.Val888Leu; replaces valine 888 with leucine.
Molecular consequence: missense variant.
Genome position (GRCh38, 1-based): chr7:21,591,572, G>C. VCF-style: chr7-21591572-G-C. GRCh37 (hg19) VCF-style: chr7-21631190-G-C.
Other names: short protein forms V888L.
Identifiers: ClinVar variation 571824 (VCV000571824.9), dbSNP rs1295846959, ClinGen allele CA366943188.

ClinVar aggregate classification (germline): Uncertain significance (1 of 4 stars; one submission).

Conditions:
Primary ciliary dyskinesia. Also called: Ciliary dyskinesia. Identifiers: Orphanet 244, MedGen C0008780, MONDO:0016575, HP:0012265.

Submission:

Labcorp Genetics (formerly Invitae), Labcorp
Classification: Uncertain significance for Primary ciliary dyskinesia. Last evaluated: 2018-04-19. Review status: criteria provided, single submitter. Criteria: Invitae Variant Classification Sherloc (09022015). Collection method: clinical testing. Allele origin: germline.
Comment: This variant has not been reported in the literature in individuals with DNAH11-related disease. This sequence change replaces valine with leucine at codon 888 of the DNAH11 protein (p.Val888Leu). The valine residue is moderately conserved and there is a small physicochemical difference between valine and leucine. This variant is not present in population databases (ExAC no frequency). Algorithms developed to predict the effect of missense changes on protein structure and function (SIFT, PolyPhen-2, Align-GVGD) all suggest that this variant is likely to be tolerated, but these predictions have not been confirmed by published functional studies and their clinical significance is uncertain. In summary, the available evidence is currently insufficient to determine the role of this variant in disease. Therefore, it has been classified as a Variant of Uncertain Significance.